The following is an entry in ClinVar:

ClinVar aggregate classification (germline): Benign. Review status: criteria provided, multiple submitters, no conflicts (2 of 4 stars). 3 submissions from 3 submitters: Benign (3). Last evaluated 2024-07-15.

Allele frequency attached by ClinVar (database versions not stated): TOPMed 0.98451; gnomAD 0.98494 and 0.98599; 1000 Genomes Project 30x 0.98532; 1000 Genomes Project 0.98602; gnomAD exomes 0.99869.
gnomAD v4.1: 1,431,409 of 1,435,266 alleles (100%); highest among the groups gnomAD compares: East Asian, 100%; 713,880 homozygotes.

Submissions (3):

Unidad de Genómica Garrahan, Hospital de Pediatría Garrahan
Classification: Benign. Last evaluated: 2024-07-15. Review status: criteria provided, single submitter. Criteria: ACMG Guidelines, 2015. Collection method: clinical testing. Allele origin: germline. Affected: no. Observed: 93 variant alleles.
Comment: This variant is classified as Benign based on local population frequency. This variant was detected in 100% of patients studied in a panel designed for Epileptic and Developmental Encephalopathy and Progressive Myoclonus Epilepsy. Number of patients: 93. Only high quality variants are reported.

GeneDx
Classification: Benign. Last evaluated: 2021-06-19. Review status: criteria provided, single submitter. Criteria: GeneDx Variant Classification Process June 2021. Collection method: clinical testing. Allele origin: germline. Affected: yes.

Breakthrough Genomics
Classification: Benign. Review status: criteria provided, single submitter. Criteria: ACMG Guidelines, 2015. Collection method: not provided. Allele origin: germline. Inheritance: Autosomal recessive inheritance. Affected: yes.

NM_020708.5(SLC12A5):c.1787+61T>C

Gene: SLC12A5 (solute carrier family 12 member 5; plus strand). Cytogenetic location: 20q13.12.
Variant type: single nucleotide variant.
Coding change: c.1787+61T>C on transcript NM_020708.5 (MANE Select); 61 bases into the intron after coding-DNA position 1787, T replaced by C.
Molecular consequence: intron variant.
Genome position (GRCh38, 1-based): chr20:46,046,497, T>C. VCF-style: chr20-46046497-T-C. GRCh37 (hg19) VCF-style: chr20-44675136-T-C.
Other names: c.1856+61T>C (NM_001134771.2).
Identifiers: ClinVar variation 1275432 (VCV001275432.4), dbSNP rs3848727, ClinGen allele CA315637288.